The following is an entry in ClinVar:

NM_014476.6(PDLIM3):c.913G>A (p.Val305Met)

Gene: PDLIM3 (PDZ and LIM domain 3; minus strand). Cytogenetic location: 4q35.1.
Variant type: single nucleotide variant.
Coding change: c.913G>A on transcript NM_014476.6 (MANE Select); coding-DNA position 913, G replaced by A.
Protein change: p.Val305Met; replaces valine 305 with methionine.
Molecular consequence: missense variant. On other transcripts: non-coding transcript variant (1).
Genome position (GRCh38, 1-based): chr4:185,502,476, C>T on the plus strand (G>A on the coding strand, the complement: PDLIM3 is on the minus strand). VCF-style: chr4-185502476-C-T. GRCh37 (hg19) VCF-style: chr4-186423630-C-T.
Other names: c.769G>A, p.Val257Met (NM_001114107.5); c.649G>A, p.Val217Met (NM_001257962.2); c.412G>A, p.Val138Met (NM_001257963.2); c.913G>A (NM_014476.4); short protein forms V305M, V217M, V138M, V257M.
Identifiers: ClinVar variation 449296 (VCV000449296.10), dbSNP rs1326853948, ClinGen allele CA358919911.

ClinVar aggregate classification (germline): Uncertain significance. Review status: criteria provided, multiple submitters, no conflicts (2 of 4 stars). 3 submissions from 3 submitters: Uncertain significance (3). Last evaluated 2026-08-16.

Conditions:
Hypertrophic cardiomyopathy. Also called: HYPERTROPHIC MYOCARDIOPATHY. Identifiers: Orphanet 217569, MedGen C0007194, MeSH D002312, MONDO:0005045, HP:0001639.
Primary dilated cardiomyopathy (DCM). Also called: Dilated Cardiomyopathy. Identifiers: Orphanet 217604, MedGen C0007193, MeSH D002311, MONDO:0005021, HP:0001644. Inheritance: Various modes of inheritance.

Allele frequency attached by ClinVar (database versions not stated): TOPMed below 0.00001; gnomAD exomes 0.00001 and 0.00002.
gnomAD v4.1: 26 of 1,614,088 alleles (0.0016%); highest among the groups gnomAD compares: Non-Finnish European, 0.0022%; no homozygotes.

Submissions (3):

Ambry Genetics
Classification: Uncertain significance. Last evaluated: 2026-08-16. Review status: criteria provided, single submitter. Criteria: Ambry Variant Classification Scheme 2023. Collection method: clinical testing. Allele origin: germline.
Comment: The p.V305M variant (also known as c.913G>A), located in coding exon 8 of the PDLIM3 gene, results from a G to A substitution at nucleotide position 913. The valine at codon 305 is replaced by methionine, an amino acid with highly similar properties. This amino acid position is conserved. In addition, the in silico prediction for this alteration is inconclusive. Based on the available evidence, the clinical significance of this variant remains unclear.

Labcorp Genetics (formerly Invitae), Labcorp
Classification: Uncertain significance for Hypertrophic cardiomyopathy; Primary dilated cardiomyopathy. Last evaluated: 2024-06-11. Review status: criteria provided, single submitter. Criteria: Invitae Variant Classification Sherloc (09022015). Collection method: clinical testing. Allele origin: germline.
Comment: This sequence change replaces valine, which is neutral and non-polar, with methionine, which is neutral and non-polar, at codon 305 of the PDLIM3 protein (p.Val305Met). This variant is present in population databases (no rsID available, gnomAD 0.002%). This variant has not been reported in the literature in individuals affected with PDLIM3-related conditions. ClinVar contains an entry for this variant (Variation ID: 449296). Advanced modeling of protein sequence and biophysical properties (such as structural, functional, and spatial information, amino acid conservation, physicochemical variation, residue mobility, and thermodynamic stability) performed at Invitae indicates that this missense variant is not expected to disrupt PDLIM3 protein function with a negative predictive value of 80%. In summary, the available evidence is currently insufficient to determine the role of this variant in disease. Therefore, it has been classified as a Variant of Uncertain Significance.

GeneDx
Classification: Uncertain significance. Last evaluated: 2019-05-14. Review status: criteria provided, single submitter. Criteria: GeneDx Variant Classification Process June 2021. Collection method: clinical testing. Allele origin: germline. Affected: yes.
Comment: Has not been previously published as pathogenic or benign to our knowledge; Not observed at a significant frequency in large population cohorts (Lek et al., 2016); In silico analysis, which includes protein predictors and evolutionary conservation, supports that this variant does not alter protein structure/function